The following is an entry in ClinVar:

NM_003742.4(ABCB11):c.150+3A>C

Gene: ABCB11 (ATP binding cassette subfamily B member 11; minus strand). Cytogenetic location: 2q31.1.
Variant type: single nucleotide variant.
Coding change: c.150+3A>C on transcript NM_003742.4 (MANE Select); 3 bases into the intron after coding-DNA position 150, A replaced by C.
Molecular consequence: intron variant.
Genome position (GRCh38, 1-based): chr2:169,014,300, T>G on the plus strand (A>C on the coding strand, the complement: ABCB11 is on the minus strand). VCF-style: chr2-169014300-T-G. GRCh37 (hg19) VCF-style: chr2-169870810-T-G.
Other names: IVS4DS, A-C, +3; c.150+3A>C (LRG_1199t1).
Identifiers: ClinVar variation 6593 (VCV000006593.6), dbSNP rs387906354, ClinGen allele CA253879.

ClinVar aggregate classification (germline): Pathogenic/Likely pathogenic. Review status: criteria provided, multiple submitters, no conflicts (2 of 4 stars). 4 submissions from 4 submitters: Pathogenic (2); Likely pathogenic (1). 1 of the submissions does not count toward it. Last evaluated 2026-04-14.

Conditions:
Familial intrahepatic cholestasis. Identifiers: Orphanet 284385, MedGen CN296401, MONDO:0017290.
Progressive familial intrahepatic cholestasis type 2. Identifiers: Orphanet 79304, MedGen C3489789, MONDO:0011156, OMIM 601847.
Benign recurrent intrahepatic cholestasis type 2 (BRIC2). Also called: Recurrent familial intrahepatic cholestasis 2. Identifiers: Orphanet 65682, Orphanet 99961, MedGen C2608083, MONDO:0011559, OMIM 605479.

Submissions (4):

Genomenon, Inc
Classification: Pathogenic for Familial intrahepatic cholestasis. Last evaluated: 2026-04-14. Review status: criteria provided, single submitter. Criteria: Genomenon Sequence Variant Interpretation Standards - Updated. Collection method: curation. Allele origin: germline. Affected: yes.
Comment: ABCB11 c.150+3A>C is an intronic variant located in the donor splice region of intron 4. This variant has been observed in at least one proband with an ABCB11-related disorder (PMID:35626323;32087350;27114171). At least one splicing study has demonstrated that this variant results in aberrant splicing (PMID:27114171). It is absent or not present at a significant frequency in gnomAD. In conclusion, we classify ABCB11 c.150+3A>C as a pathogenic variant.

Labcorp Genetics (formerly Invitae), Labcorp
Classification: Pathogenic. Last evaluated: 2023-06-20. Review status: criteria provided, single submitter. Criteria: Invitae Variant Classification Sherloc (09022015). Collection method: clinical testing. Allele origin: germline.
Comment: This sequence change falls in intron 4 of the ABCB11 gene. It does not directly change the encoded amino acid sequence of the ABCB11 protein. It affects a nucleotide within the consensus splice site. This variant is not present in population databases (gnomAD no frequency). This variant has been observed in individual(s) with progressive familial intrahepatic cholestasis (PMID: 16039748, 27114171, 28733223). In at least one individual the data is consistent with being in trans (on the opposite chromosome) from a pathogenic variant. ClinVar contains an entry for this variant (Variation ID: 6593). Variants that disrupt the consensus splice site are a relatively common cause of aberrant splicing (PMID: 17576681, 9536098). Studies have shown that this variant is associated with altered splicing resulting in multiple RNA products (PMID: 27114171). For these reasons, this variant has been classified as Pathogenic.

Fulgent Genetics
Classification: Likely pathogenic for Progressive familial intrahepatic cholestasis type 2; Benign recurrent intrahepatic cholestasis type 2. Last evaluated: 2021-08-06. Review status: criteria provided, single submitter. Criteria: ACMG Guidelines, 2015. Collection method: clinical testing. Allele origin: unknown.

OMIM
Classification: Pathogenic for CHOLESTASIS, PROGRESSIVE FAMILIAL INTRAHEPATIC, 2. Last evaluated: 2005-09-01. Review status: no assertion criteria provided. Collection method: literature only. Allele origin: germline. Not counted in ClinVar's aggregate classification.

Literature cited by the submitters: PubMed 35626323 (cited by Genomenon, Inc); PubMed 32087350 (cited by Genomenon, Inc); PubMed 27114171 (cited by Genomenon, Inc and Labcorp Genetics (formerly Invitae), Labcorp); PubMed 16039748 (cited by Labcorp Genetics (formerly Invitae), Labcorp and OMIM); PubMed 28733223 (cited by Labcorp Genetics (formerly Invitae), Labcorp); PubMed 17576681 (cited by Labcorp Genetics (formerly Invitae), Labcorp); PubMed 9536098 (cited by Labcorp Genetics (formerly Invitae), Labcorp).